The following is an entry in ClinVar:

ClinVar aggregate classification (germline): Conflicting classifications of pathogenicity. Review status: criteria provided, conflicting classifications (1 of 4 stars). 2 submissions from 2 submitters: Uncertain significance (1); Likely benign (1). Last evaluated 2024-04-10.

Conditions:
Inborn genetic diseases. Identifiers: MedGen C0950123, MeSH D030342.

Allele frequency attached by ClinVar (database versions not stated): ExAC 0.00001; gnomAD exomes 0.00001; 1000 Genomes Project 30x 0.00016; 1000 Genomes Project 0.00020.

Submissions (2):

Labcorp Genetics (formerly Invitae), Labcorp
Classification: Uncertain significance. Last evaluated: 2024-04-10. Review status: criteria provided, single submitter. Criteria: Invitae Variant Classification Sherloc (09022015). Collection method: clinical testing. Allele origin: germline.
Comment: This sequence change replaces alanine, which is neutral and non-polar, with serine, which is neutral and polar, at codon 90 of the WNK4 protein (p.Ala90Ser). This variant is present in population databases (rs199712166, gnomAD 0.03%). This variant has not been reported in the literature in individuals affected with WNK4-related conditions. ClinVar contains an entry for this variant (Variation ID: 2415799). Advanced modeling of protein sequence and biophysical properties (such as structural, functional, and spatial information, amino acid conservation, physicochemical variation, residue mobility, and thermodynamic stability) performed at Invitae indicates that this missense variant is not expected to disrupt WNK4 protein function with a negative predictive value of 95%. In summary, the available evidence is currently insufficient to determine the role of this variant in disease. Therefore, it has been classified as a Variant of Uncertain Significance.

Ambry Genetics
Classification: Likely benign for Inborn genetic diseases. Last evaluated: 2024-02-17. Review status: criteria provided, single submitter. Criteria: Ambry Variant Classification Scheme 2023. Collection method: clinical testing. Allele origin: germline.

NM_032387.5(WNK4):c.268G>T (p.Ala90Ser)

Gene: WNK4 (WNK lysine deficient protein kinase 4; plus strand). Cytogenetic location: 17q21.2.
Variant type: single nucleotide variant.
Coding change: c.268G>T on transcript NM_032387.5 (MANE Select); coding-DNA position 268, G replaced by T.
Protein change: p.Ala90Ser; replaces alanine 90 with serine.
Molecular consequence: missense variant. On other transcripts: 5 prime UTR variant (1).
Genome position (GRCh38, 1-based): chr17:42,780,966, G>T. VCF-style: chr17-42780966-G-T. GRCh37 (hg19) VCF-style: chr17-40932984-G-T.
Other names: c.-652G>T (NM_001321299.2); c.268G>T (NM_032387.4); short protein forms A90S.
Identifiers: ClinVar variation 2415799 (VCV002415799.7), dbSNP rs199712166, ClinGen allele CA8583660.